The following is an entry in ClinVar:

NM_032638.5(GATA2):c.*183C>T

Gene: GATA2 (GATA binding protein 2; minus strand). Cytogenetic location: 3q21.3.
Variant type: single nucleotide variant.
Coding change: c.*183C>T on transcript NM_032638.5 (MANE Select); 183 bases downstream of the stop codon, C replaced by T.
Molecular consequence: 3 prime UTR variant.
Genome position (GRCh38, 1-based): chr3:128,480,836, G>A on the plus strand (C>T on the coding strand, the complement: GATA2 is on the minus strand). VCF-style: chr3-128480836-G-A. GRCh37 (hg19) VCF-style: chr3-128199679-G-A.
Other names: c.*183C>T (NM_001145661.2, NM_001145662.1).
Identifiers: ClinVar variation 241712 (VCV000241712.42), dbSNP rs45598538, ClinGen allele CA10582130.

ClinVar aggregate classification (germline): Benign/Likely benign. Review status: criteria provided, multiple submitters, no conflicts (2 of 4 stars). 4 submissions from 4 submitters: Benign (3); Likely benign (1). Last evaluated 2026-01-26.

Conditions:
Deafness-lymphedema-leukemia syndrome. Also called: Lymphedema, primary, with myelodysplasia; Emberger syndrome. Identifiers: Orphanet 3226, MedGen C3279664, MONDO:0013540, OMIM 614038.
Monocytopenia with susceptibility to infections. Also called: MONOCYTOPENIA AND MYCOBACTERIAL INFECTION SYNDROME; MONOCYTOPENIA WITH SUSCEPTIBILITY TO MYCOBACTERIAL, FUNGAL, AND PAPILLOMAVIRUS INFECTIONS AND MYELODYSPLASIA; COMBINED IMMUNODEFICIENCY WITH SUSCEPTIBILITY TO MYCOBACTERIAL, VIRAL, AND FUNGAL INFECTIONS; Dendritic cell, monocyte, B lymphocyte, and natural killer lymphocyte deficiency; IMMUNODEFICIENCY 21; GATA2 DEFICIENCY. Identifiers: Orphanet 228423, MedGen C3280030, MONDO:0013607, OMIM 614172.

Allele frequency attached by ClinVar (database versions not stated): gnomAD 0.00308 and 0.00320; 1000 Genomes Project 0.00339; TOPMed 0.00340; 1000 Genomes Project 30x 0.00359; gnomAD exomes 0.00418.

Submissions (4):

Labcorp Genetics (formerly Invitae), Labcorp
Classification: Benign for Monocytopenia with susceptibility to infections; Deafness-lymphedema-leukemia syndrome. Last evaluated: 2026-01-26. Review status: criteria provided, single submitter. Criteria: Invitae Variant Classification Sherloc (09022015). Collection method: clinical testing. Allele origin: germline.

CeGaT Center for Human Genetics Tuebingen
Classification: Likely benign. Last evaluated: 2023-03-01. Review status: criteria provided, single submitter. Criteria: CeGaT Center For Human Genetics Tuebingen Variant Classification Criteria Version 2. Collection method: clinical testing. Allele origin: germline. Affected: yes. Observed: 8 variant alleles.
Comment: GATA2: BS2

Illumina Laboratory Services, Illumina
Classification: Benign for Deafness-lymphedema-leukemia syndrome. Last evaluated: 2018-03-06. Review status: criteria provided, single submitter. Criteria: ICSL Variant Classification Criteria 13 December 2019. Collection method: clinical testing. Allele origin: germline.
Comment: This variant was observed in the ICSL laboratory as part of a predisposition screen in an ostensibly healthy population. It had not been previously curated by ICSL or reported in the Human Gene Mutation Database (HGMD: prior to June 1st, 2018), and was therefore a candidate for classification through an automated scoring system. Utilizing variant allele frequency, disease prevalence and penetrance estimates, and inheritance mode, an automated score was calculated to assess if this variant is too frequent to cause the disease. Based on the score and internal cut-off values, a variant classified as benign is not then subjected to further curation. The score for this variant resulted in a classification of benign for this disease.

Breakthrough Genomics
Classification: Benign. Review status: criteria provided, single submitter. Criteria: ACMG Guidelines, 2015. Collection method: not provided. Allele origin: germline. Inheritance: Autosomal dominant inheritance. Affected: yes.